The following is an entry in ClinVar:

NM_001080517.3(SETD5):c.3411G>A (p.Met1137Ile)

Gene: SETD5 (SET domain containing 5; plus strand). Cytogenetic location: 3p25.3.
Variant type: single nucleotide variant.
Coding change: c.3411G>A on transcript NM_001080517.3 (MANE Select); coding-DNA position 3411, G replaced by A.
Protein change: p.Met1137Ile; replaces methionine 1137 with isoleucine.
Molecular consequence: missense variant.
Genome position (GRCh38, 1-based): chr3:9,473,451, G>A. VCF-style: chr3-9473451-G-A. GRCh37 (hg19) VCF-style: chr3-9515135-G-A.
Other names: c.3117G>A, p.Met1039Ile (NM_001292043.2, NM_001349451.2); short protein forms M1039I, M1137I.
Identifiers: ClinVar variation 1686720 (VCV001686720.2), dbSNP rs2125607601, ClinGen allele CA351686270.

ClinVar aggregate classification (germline): Uncertain significance (1 of 4 stars; one submission).

Submission:

GeneDx
Classification: Uncertain significance. Last evaluated: 2022-05-18. Review status: criteria provided, single submitter. Criteria: GeneDx Variant Classification Process June 2021. Collection method: clinical testing. Allele origin: germline. Affected: yes.
Comment: Not observed at significant frequency in large population cohorts (gnomAD); In silico analysis supports that this missense variant does not alter protein structure/function; Has not been previously published as pathogenic or benign to our knowledge